The following is an entry in ClinVar:

ClinVar aggregate classification (germline): Benign/Likely benign. Review status: criteria provided, multiple submitters, no conflicts (2 of 4 stars). 5 submissions from 5 submitters: Benign (1); Likely benign (3). 1 of the submissions does not count toward it. Last evaluated 2025-10-27.

Conditions:
Charcot-Marie-Tooth disease. Also called: Charcot-Marie-Tooth Hereditary Neuropathy; Charcot-Marie-Tooth Neuropathy. Identifiers: Orphanet 166, MedGen C0007959, MONDO:0015626.
DYNC1H1-related disorder. Also called: DYNC1H1-related condition; DYNC1H1-related disorders. Identifiers: MedGen CN381529.
Charcot-Marie-Tooth disease axonal type 2O. Also called: CHARCOT-MARIE-TOOTH NEUROPATHY, AXONAL, TYPE 2O; CHARCOT-MARIE-TOOTH DISEASE, AXONAL, AUTOSOMAL DOMINANT, TYPE 2O; Charcot-Marie-Tooth Neuropathy Type 2O; Charcot-Marie-Tooth disease, axonal, type 20. Identifiers: Orphanet 284232, MedGen C3280220, MONDO:0013644, OMIM 614228.

Allele frequency attached by ClinVar (database versions not stated): TOPMed 0.00006; gnomAD 0.00007; gnomAD exomes 0.00007 and 0.00010; ExAC 0.00011; ESP Exome Variant Server 0.00023.
gnomAD v4.1: 162 of 1,613,898 alleles (0.01%); highest among the groups gnomAD compares: South Asian, 0.012%; 1 homozygote.

Submissions (5):

Women's Health and Genetics/Laboratory Corporation of America, LabCorp
Classification: Benign. Last evaluated: 2025-10-27. Review status: criteria provided, single submitter. Criteria: LabCorp Variant Classification Summary - May 2015. Collection method: clinical testing. Allele origin: germline.

Labcorp Genetics (formerly Invitae), Labcorp
Classification: Likely benign for Charcot-Marie-Tooth disease axonal type 2O. Last evaluated: 2025-03-29. Review status: criteria provided, single submitter. Criteria: Invitae Variant Classification Sherloc (09022015). Collection method: clinical testing. Allele origin: germline.

Blueprint Genetics
Classification: Likely benign. Last evaluated: 2022-02-15. Review status: criteria provided, single submitter. Criteria: ACMG Guidelines, 2015. Collection method: clinical testing. Allele origin: germline.

Molecular Genetics Laboratory, London Health Sciences Centre
Classification: Likely benign for Charcot-Marie-Tooth disease. Review status: criteria provided, single submitter. Criteria: ACMG Guidelines, 2015. Collection method: clinical testing. Allele origin: germline. Affected: yes.

PreventionGenetics, part of Exact Sciences
Classification: Likely benign for DYNC1H1-related condition. Last evaluated: 2022-04-18. Review status: no assertion criteria provided. Collection method: clinical testing. Allele origin: germline. Not counted in ClinVar's aggregate classification.
Comment: This variant is classified as likely benign based on ACMG/AMP sequence variant interpretation guidelines (Richards et al. 2015 PMID: 25741868, with internal and published modifications).

NM_001376.5(DYNC1H1):c.3804+9C>T

Gene: DYNC1H1 (dynein cytoplasmic 1 heavy chain 1; plus strand). Cytogenetic location: 14q32.31.
Variant type: single nucleotide variant.
Coding change: c.3804+9C>T on transcript NM_001376.5 (MANE Select); 9 bases into the intron after coding-DNA position 3804, C replaced by T.
Molecular consequence: intron variant.
Genome position (GRCh38, 1-based): chr14:101,997,283, C>T. VCF-style: chr14-101997283-C-T. GRCh37 (hg19) VCF-style: chr14-102463620-C-T.
Identifiers: ClinVar variation 472530 (VCV000472530.16), dbSNP rs377635872, ClinGen allele CA7352084.